The following is an entry in ClinVar:

ClinVar aggregate classification (germline): Uncertain significance (1 of 4 stars; one submission).

Conditions:
Achondrogenesis, type IB (ACG1B). Also called: Achondrogenesis Type 1B. Identifiers: Orphanet 932, Orphanet 93298, MedGen C0265274, MONDO:0010966, OMIM 600972.

Allele frequency attached by ClinVar (database versions not stated): gnomAD 0.00001; TOPMed 0.00001; ExAC 0.00004; 1000 Genomes Project 30x 0.00016; 1000 Genomes Project 0.00020.
gnomAD v4.1: 31 of 1,605,500 alleles (0.0019%); highest among the groups gnomAD compares: Middle Eastern, 0.033%; no homozygotes.

Submission:

Baylor Genetics
Classification: Uncertain significance for Achondrogenesis, type IB. Last evaluated: 2019-11-07. Review status: criteria provided, single submitter. Criteria: ACMG Guidelines, 2015. Collection method: clinical testing. Allele origin: unknown. Affected: yes.
Comment: This variant was determined to be of uncertain significance according to ACMG Guidelines, 2015 [PMID:25741868].

NM_000112.4(SLC26A2):c.473G>A (p.Arg158His)

Gene: SLC26A2 (solute carrier family 26 member 2; plus strand). Cytogenetic location: 5q32.
Variant type: single nucleotide variant.
Coding change: c.473G>A on transcript NM_000112.4 (MANE Select); coding-DNA position 473, G replaced by A.
Protein change: p.Arg158His; replaces arginine 158 with histidine.
Molecular consequence: missense variant.
Genome position (GRCh38, 1-based): chr5:149,978,125, G>A. VCF-style: chr5-149978125-G-A. GRCh37 (hg19) VCF-style: chr5-149357688-G-A.
Other names: short protein forms R158H.
Identifiers: ClinVar variation 1028073 (VCV001028073.1), dbSNP rs143658243, ClinGen allele CA3505255.